The following is an entry in ClinVar:

NM_000051.4(ATM):c.1800C>T (p.His600=)

Gene: ATM (ATM serine/threonine kinase; plus strand). Cytogenetic location: 11q22.3.
Variant type: single nucleotide variant.
Coding change: c.1800C>T on transcript NM_000051.4 (MANE Select); coding-DNA position 1800, C replaced by T.
Protein change: p.His600=; no amino-acid change (histidine 600 retained).
Molecular consequence: synonymous variant.
Genome position (GRCh38, 1-based): chr11:108,252,029, C>T. VCF-style: chr11-108252029-C-T. GRCh37 (hg19) VCF-style: chr11-108122756-C-T.
Other names: c.1800C>T, p.His600= (NM_001351834.2).
Identifiers: ClinVar variation 490435 (VCV000490435.11), dbSNP rs750715942, ClinGen allele CA6264868.

ClinVar aggregate classification (germline): Conflicting classifications of pathogenicity. Review status: criteria provided, conflicting classifications (1 of 4 stars). 5 submissions from 5 submitters: Uncertain significance (3); Likely benign (2). Last evaluated 2026-01-28.

Conditions:
Hereditary cancer-predisposing syndrome. Also called: Tumor predisposition; Neoplastic Syndromes, Hereditary; Hereditary Cancer Syndrome; Hereditary neoplastic syndrome. Identifiers: Orphanet 140162, MedGen C0027672, MeSH D009386, MONDO:0015356.
Familial cancer of breast. Also called: BREAST CANCER, FAMILIAL; hereditary breast carcinoma; Hereditary breast cancer. Identifiers: Orphanet 227535, MedGen C0346153, MONDO:0016419, OMIM 114480. Disease mechanism: loss of function.
Ataxia-telangiectasia syndrome (AT). Also called: Ataxia-telangiectasia; Ataxia-telangiectasia, complementation group D; AT, COMPLEMENTATION GROUP C; LOUIS-BAR SYNDROME; Cerebello-oculocutaneous telangiectasia; Immunodeficiency with ataxia telangiectasia. Identifiers: Orphanet 100, MedGen C0004135, MONDO:0008840, OMIM 208900.

Allele frequency attached by ClinVar (database versions not stated): gnomAD exomes below 0.00001; ExAC 0.00001.
gnomAD v4.1: 1 of 1,611,234 alleles (0.000062%); highest among the groups gnomAD compares: East Asian, 0.0022%; no homozygotes.

Submissions (5):

Labcorp Genetics (formerly Invitae), Labcorp
Classification: Likely benign for Ataxia-telangiectasia syndrome. Last evaluated: 2026-01-28. Review status: criteria provided, single submitter. Criteria: Invitae Variant Classification Sherloc (09022015). Collection method: clinical testing. Allele origin: germline.

Ambry Genetics
Classification: Uncertain significance for Hereditary cancer-predisposing syndrome. Last evaluated: 2024-08-19. Review status: criteria provided, single submitter. Criteria: Ambry Variant Classification Scheme 2023. Collection method: clinical testing. Allele origin: germline.
Comment: The c.1800C>T variant (also known as p.H600H), located in coding exon 10 of the ATM gene, results from a C to T substitution at nucleotide position 1800. This nucleotide substitution does not change the histidine at codon 600. This nucleotide position is not well conserved in available vertebrate species. In silico splice site analysis predicts that this alteration may weaken the native splice donor site. Based on the available evidence, the clinical significance of this variant remains unclear.

Baylor Genetics
Classification: Uncertain significance for Familial cancer of breast. Last evaluated: 2023-06-02. Review status: criteria provided, single submitter. Criteria: ACMG Guidelines, 2015. Collection method: clinical testing. Allele origin: unknown.

Women's Health and Genetics/Laboratory Corporation of America, LabCorp
Classification: Uncertain significance. Last evaluated: 2019-08-21. Review status: criteria provided, single submitter. Criteria: LabCorp Variant Classification Summary - May 2015. Collection method: clinical testing. Allele origin: germline.
Comment: Variant summary: ATM c.1800C>T (p.His600His) alters a conserved nucleotide located close to a canonical splice site and therefore could affect mRNA splicing, leading to a significantly altered protein sequence. Several computational tools via ALAMUT predict a significant impact on normal splicing: Two predict that the variant abolishes a 5' splicing donor site. Three predict the variant weakens a 5' donor site. Another in-silico tool for assessing the pathogenicity of synonymous variants, namely TraP (Transcript-inferred Pathogenicity, Gelfman_2017) predicts this variant to be possibly pathogenic. However, these predictions have yet to be confirmed by functional studies. The variant allele was found at a frequency of 4e-06 in 249196 control chromosomes. The available data on variant occurrences in the general population are insufficient to allow any conclusion about variant significance. To our knowledge, no occurrence of c.1800C>T in individuals affected with Breast Cancer and no experimental evidence demonstrating its impact on protein function have been reported. One clinical diagnostic laboratory has submitted clinical-significance assessments for this variant to ClinVar (evaluation after 2014) and cited the variant as likely benign. Based on the evidence outlined above, the variant was classified as uncertain significance-possibly benign.

Color Diagnostics, LLC DBA Color Health
Classification: Likely benign for Hereditary cancer-predisposing syndrome. Last evaluated: 2017-03-08. Review status: criteria provided, single submitter. Criteria: ACMG Guidelines, 2015. Collection method: clinical testing. Allele origin: germline.